The following is an entry in ClinVar:

ClinVar aggregate classification (germline): Uncertain significance (1 of 4 stars; one submission).

Submission:

Labcorp Genetics (formerly Invitae), Labcorp
Classification: Uncertain significance. Last evaluated: 2024-06-05. Review status: criteria provided, single submitter. Criteria: Invitae Variant Classification Sherloc (09022015). Collection method: clinical testing. Allele origin: germline.
Comment: This variant, c.766_768del, results in the deletion of 1 amino acid(s) of the SNRNP200 protein (p.Lys256del), but otherwise preserves the integrity of the reading frame. This variant is present in population databases (rs765935120, gnomAD 0.0009%). This variant has not been reported in the literature in individuals affected with SNRNP200-related conditions. Experimental studies and prediction algorithms are not available or were not evaluated, and the functional significance of this variant is currently unknown. In summary, the available evidence is currently insufficient to determine the role of this variant in disease. Therefore, it has been classified as a Variant of Uncertain Significance.

NM_014014.5(SNRNP200):c.760AAG[2] (p.Lys256del)

Gene: SNRNP200 (small nuclear ribonucleoprotein U5 subunit 200; minus strand). Cytogenetic location: 2q11.2.
Variant type: Microsatellite.
Coding change: c.760AAG[2] on transcript NM_014014.5 (MANE Select); two copies in a row of the 3-base unit AAG starting at c.760; the reference has three copies in a row; one copy, 3 bases deleted.
Protein change: p.Lys256del; deletes lysine 256.
Genome position (GRCh38, 1-based): chr2:96,298,929-96,298,931, CTT deleted on the plus strand (AAG on the coding strand, the reverse complement: SNRNP200 is on the minus strand); deleting any 3 consecutive bases within chr2:96,298,929-96,298,937 gives the same sequence; the position shown is the placement nearest the transcript's 3' end. VCF-style (leftmost placement, unchanged base first): chr2-96298928-CCTT-C. GRCh37 (hg19) VCF-style: chr2-96964666-CCTT-C.
Other names: short protein forms K256del.
Identifiers: ClinVar variation 3695626 (VCV003695626.2).